The following is an entry in ClinVar:

NM_005045.4(RELN):c.1684C>T (p.Pro562Ser)

Gene: RELN (reelin; minus strand). Cytogenetic location: 7q22.1.
Variant type: single nucleotide variant.
Coding change: c.1684C>T on transcript NM_005045.4 (MANE Select); coding-DNA position 1684, C replaced by T.
Protein change: p.Pro562Ser; replaces proline 562 with serine.
Molecular consequence: missense variant.
Genome position (GRCh38, 1-based): chr7:103,652,630, G>A on the plus strand (C>T on the coding strand, the complement: RELN is on the minus strand). VCF-style: chr7-103652630-G-A. GRCh37 (hg19) VCF-style: chr7-103293077-G-A.
Other names: c.1684C>T, p.Pro562Ser (NM_173054.3); short protein forms P562S.
Identifiers: ClinVar variation 1489500 (VCV001489500.8), dbSNP rs2117391501, ClinGen allele CA368765558.

ClinVar aggregate classification (germline): Uncertain significance (1 of 4 stars; one submission).

Conditions:
Norman-Roberts syndrome (LIS2). Also called: Lissencephaly 2 (Norman-Roberts type). Identifiers: Orphanet 89844, MedGen C0796089, MONDO:0009760, OMIM 257320.
Familial temporal lobe epilepsy 7. Identifiers: Orphanet 101046, MedGen C4225327, MONDO:0014639, OMIM 616436.

Submission:

Labcorp Genetics (formerly Invitae), Labcorp
Classification: Uncertain significance for Familial temporal lobe epilepsy 7; Norman-Roberts syndrome. Last evaluated: 2022-07-12. Review status: criteria provided, single submitter. Criteria: Invitae Variant Classification Sherloc (09022015). Collection method: clinical testing. Allele origin: germline.
Comment: This variant is not present in population databases (gnomAD no frequency). In summary, the available evidence is currently insufficient to determine the role of this variant in disease. Therefore, it has been classified as a Variant of Uncertain Significance. Algorithms developed to predict the effect of missense changes on protein structure and function are either unavailable or do not agree on the potential impact of this missense change (SIFT: "Deleterious"; PolyPhen-2: "Probably Damaging"; Align-GVGD: "Class C0"). ClinVar contains an entry for this variant (Variation ID: 1489500). This variant has not been reported in the literature in individuals affected with RELN-related conditions. This sequence change replaces proline, which is neutral and non-polar, with serine, which is neutral and polar, at codon 562 of the RELN protein (p.Pro562Ser).